The following is an entry in ClinVar:

ClinVar aggregate classification (germline): Uncertain significance. Review status: criteria provided, multiple submitters, no conflicts (2 of 4 stars). 3 submissions from 3 submitters: Uncertain significance (3). Last evaluated 2025-06-17.

Conditions:
Inborn genetic diseases. Identifiers: MedGen C0950123, MeSH D030342.

Allele frequency attached by ClinVar (database versions not stated): ExAC 0.00002; gnomAD 0.00002; TOPMed 0.00003.
gnomAD v4.1: 26 of 1,599,924 alleles (0.0016%); highest among the groups gnomAD compares: Middle Eastern, 0.017%; no homozygotes.

Submissions (3):

Women's Health and Genetics/Laboratory Corporation of America, LabCorp
Classification: Uncertain significance. Last evaluated: 2025-06-17. Review status: criteria provided, single submitter. Criteria: LabCorp Variant Classification Summary - May 2015. Collection method: clinical testing. Allele origin: germline.
Comment: Variant summary: KATNB1 c.1033A>C (p.Ser345Arg) results in a non-conservative amino acid change in the encoded protein sequence. Algorithms developed to predict the effect of missense changes on protein structure and function are either unavailable or do not agree on the potential impact of this missense change. The variant allele was found at a frequency of 1.3e-05 in 234938 control chromosomes. The available data on variant occurrences in the general population are insufficient to allow any conclusion about variant significance. To our knowledge, no occurrence of c.1033A>C in individuals affected with Lissencephaly 6 With Microcephaly and no experimental evidence demonstrating its impact on protein function have been reported. ClinVar contains an entry for this variant (Variation ID: 1909550). Based on the evidence outlined above, the variant was classified as uncertain significance.

Labcorp Genetics (formerly Invitae), Labcorp
Classification: Uncertain significance. Last evaluated: 2025-05-05. Review status: criteria provided, single submitter. Criteria: Invitae Variant Classification Sherloc (09022015). Collection method: clinical testing. Allele origin: germline.
Comment: This sequence change replaces serine, which is neutral and polar, with arginine, which is basic and polar, at codon 345 of the KATNB1 protein (p.Ser345Arg). This variant is present in population databases (rs782224310, gnomAD 0.004%). This variant has not been reported in the literature in individuals affected with KATNB1-related conditions. ClinVar contains an entry for this variant (Variation ID: 1909550). Invitae Evidence Modeling of protein sequence and biophysical properties (such as structural, functional, and spatial information, amino acid conservation, physicochemical variation, residue mobility, and thermodynamic stability) indicates that this missense variant is not expected to disrupt KATNB1 protein function with a negative predictive value of 95%. In summary, the available evidence is currently insufficient to determine the role of this variant in disease. Therefore, it has been classified as a Variant of Uncertain Significance.

Ambry Genetics
Classification: Uncertain significance for Inborn genetic diseases. Last evaluated: 2022-11-17. Review status: criteria provided, single submitter. Criteria: Ambry Variant Classification Scheme 2023. Collection method: clinical testing. Allele origin: germline.

NM_005886.3(KATNB1):c.1033A>C (p.Ser345Arg)

Gene: KATNB1 (katanin regulatory subunit B1; plus strand). Cytogenetic location: 16q21.
Variant type: single nucleotide variant.
Coding change: c.1033A>C on transcript NM_005886.3 (MANE Select); coding-DNA position 1033, A replaced by C.
Protein change: p.Ser345Arg; replaces serine 345 with arginine.
Molecular consequence: missense variant.
Genome position (GRCh38, 1-based): chr16:57,753,254, A>C. VCF-style: chr16-57753254-A-C. GRCh37 (hg19) VCF-style: chr16-57787166-A-C.
Other names: short protein forms S345R.
Identifiers: ClinVar variation 1909550 (VCV001909550.7), dbSNP rs782224310, ClinGen allele CA8080983.